The following is an entry in ClinVar:

NM_000094.4(COL7A1):c.4818+1G>C

Gene: COL7A1 (collagen type VII alpha 1 chain; minus strand). Cytogenetic location: 3p21.31.
Variant type: single nucleotide variant.
Coding change: c.4818+1G>C on transcript NM_000094.4 (MANE Select); the canonical splice donor site of the intron after coding-DNA position 4818, G replaced by C.
Molecular consequence: splice donor variant.
Genome position (GRCh38, 1-based): chr3:48,581,447, C>G on the plus strand (G>C on the coding strand, the complement: COL7A1 is on the minus strand). VCF-style: chr3-48581447-C-G. GRCh37 (hg19) VCF-style: chr3-48618880-C-G.
Identifiers: ClinVar variation 2829015 (VCV002829015.3), dbSNP rs1183838086, ClinGen allele CA352683943.
Genomic context (GRCh38, chr3:48,581,447, plus strand): 5'-CAGTTCTCAAGGGGAGGGGACCCCAGAAGCCTTGAGGTTGCCCAGGGTAACGGGTACTCA[C>G]TGGGGGTCCTGCTCTGCCAGTAAGGCCAATGGGACCCTGAAGGGGACAGAAGGGGGGCAG-3'

ClinVar aggregate classification (germline): Likely pathogenic (1 of 4 stars; one submission).

Submission:

Labcorp Genetics (formerly Invitae), Labcorp
Classification: Likely pathogenic. Last evaluated: 2023-01-16. Review status: criteria provided, single submitter. Criteria: Invitae Variant Classification Sherloc (09022015). Collection method: clinical testing. Allele origin: germline.
Comment: In summary, the currently available evidence indicates that the variant is pathogenic, but additional data are needed to prove that conclusively. Therefore, this variant has been classified as Likely Pathogenic. Algorithms developed to predict the effect of sequence changes on RNA splicing suggest that this variant may disrupt the consensus splice site. This variant has not been reported in the literature in individuals affected with COL7A1-related conditions. This variant is not present in population databases (gnomAD no frequency). This sequence change affects a donor splice site in intron 50 of the COL7A1 gene. It is expected to disrupt RNA splicing. Variants that disrupt the donor or acceptor splice site typically lead to a loss of protein function (PMID: 16199547), and loss-of-function variants in COL7A1 are known to be pathogenic (PMID: 16971478).

Literature cited by the submitters: PubMed 16199547; PubMed 16971478.